The following is an entry in ClinVar:

NM_032043.3(BRIP1):c.100dup (p.Arg34fs)

Gene: BRIP1 (BRCA1 interacting DNA helicase 1; minus strand). Cytogenetic location: 17q23.2.
Variant type: Duplication.
Coding change: c.100dup on transcript NM_032043.3 (MANE Select); coding-DNA position 100, one base duplicated (A; older notation c.100dupA).
Protein change: p.Arg34fs; shifts the reading frame from arginine 34.
Molecular consequence: frameshift variant.
Genome position (GRCh38, 1-based): chr17:61,859,901, T duplicated on the plus strand (A on the coding strand, the reverse complement: BRIP1 is on the minus strand). VCF-style (leftmost placement, unchanged base first): chr17-61859900-C-CT. GRCh37 (hg19) VCF-style: chr17-59937261-C-CT.
Other names: short protein forms R34fs.
Identifiers: ClinVar variation 2583660 (VCV002583660.2), dbSNP rs2545473484, ClinGen allele CA2582342262.

ClinVar aggregate classification (germline): Pathogenic (1 of 4 stars; one submission).

Conditions:
Familial cancer of breast. Also called: Hereditary breast cancer; BREAST CANCER, FAMILIAL; hereditary breast carcinoma. Identifiers: Orphanet 227535, MedGen C0346153, MONDO:0016419, OMIM 114480. Disease mechanism: loss of function.

Submission:

Myriad Genetics, Inc.
Classification: Pathogenic for Familial cancer of breast. Last evaluated: 2023-05-30. Review status: criteria provided, single submitter. Criteria: Myriad Autosomal Dominant, Autosomal Recessive and X-Linked Classification Criteria (2023). Collection method: clinical testing. Allele origin: unknown.
Comment: This variant is considered pathogenic. This variant creates a frameshift predicted to result in premature protein truncation.